The following is an entry in ClinVar:

ClinVar aggregate classification (germline): Benign (0 of 4 stars; one submission).

Conditions:
TNNT1-related disorder. Also called: TNNT1-related condition.

Allele frequency attached by ClinVar (database versions not stated): gnomAD 0.00003; TOPMed 0.00003; gnomAD exomes 0.00010; ExAC 0.00020.
gnomAD v4.1: 142 of 1,613,780 alleles (0.0088%); highest among the groups gnomAD compares: South Asian, 0.15%; 2 homozygotes.

Submission:

PreventionGenetics, part of Exact Sciences
Classification: Benign for TNNT1-related condition. Last evaluated: 2022-07-05. Review status: no assertion criteria provided. Collection method: clinical testing. Allele origin: germline.
Comment: This variant is classified as benign based on ACMG/AMP sequence variant interpretation guidelines (Richards et al. 2015 PMID: 25741868, with internal and published modifications).

NM_003283.6(TNNT1):c.31G>A (p.Glu11Lys)

Gene: TNNT1 (troponin T1, slow skeletal type; minus strand). Cytogenetic location: 19q13.42.
Variant type: single nucleotide variant.
Coding change: c.31G>A on transcript NM_003283.6 (MANE Select); coding-DNA position 31, G replaced by A.
Protein change: p.Glu11Lys; replaces glutamic acid 11 with lysine.
Molecular consequence: missense variant.
Genome position (GRCh38, 1-based): chr19:55,147,127, C>T on the plus strand (G>A on the coding strand, the complement: TNNT1 is on the minus strand). VCF-style: chr19-55147127-C-T. GRCh37 (hg19) VCF-style: chr19-55658495-C-T.
Other names: c.31G>A, p.Glu11Lys (NM_001126132.3, NM_001126133.3, NM_001291774.2); short protein forms E11K.
Identifiers: ClinVar variation 3032992 (VCV003032992.2), dbSNP rs769097456, ClinGen allele CA9667681.